The following is an entry in ClinVar:

NM_007294.4(BRCA1):c.5315del (p.Phe1772fs)

Gene: BRCA1 (BRCA1 DNA repair associated; minus strand). Cytogenetic location: 17q21.31.
Variant type: Deletion.
Coding change: c.5315del on transcript NM_007294.4 (MANE Select); coding-DNA position 5315, one base deleted (T; older notation c.5315delT).
Protein change: p.Phe1772fs; shifts the reading frame from phenylalanine 1772.
Molecular consequence: frameshift variant. On other transcripts: non-coding transcript variant (1).
Genome position (GRCh38, 1-based): chr17:43,051,080, A deleted on the plus strand (T on the coding strand, the reverse complement: BRCA1 is on the minus strand); the first of 2 consecutive A bases (chr17:43,051,080-43,051,081); deleting either gives the same sequence. VCF-style (leftmost placement, unchanged base first): chr17-43051079-GA-G. GRCh37 (hg19) VCF-style: chr17-41203096-GA-G.
Other names: 5434delT; c.5315delT (NM_007294.3); c.5101delT, p.Phe1701Serfs (NM_001407571.1, NM_001407894.1, NM_001407895.1 and 12 more transcripts); c.5380delT, p.Phe1794Serfs (NM_001407581.1, NM_001407582.1); c.5377delT, p.Phe1793Serfs (NM_001407583.1, NM_001407585.1, NM_001407587.1); c.5374delT, p.Phe1792Serfs (NM_001407590.1, NM_001407591.1); c.5314delT, p.Phe1772Serfs (NM_001407593.1, NM_001407594.1, NM_001407596.1 and 6 more transcripts); c.5311delT, p.Phe1771Serfs (NM_001407610.1, NM_001407611.1, NM_001407612.1 and 17 more transcripts); and 77 more; short protein forms F1772fs, F1793fs, F1725fs, F668fs.
Identifiers: ClinVar variation 55520 (VCV000055520.5), dbSNP rs397509261, ClinGen allele CA003469.
Genomic context (GRCh38, chr17:43,051,079, plus strand): 5'-ACAAAGGCTGGTGCTGGAACTCTGGGGTTCTCCCAGGCTCTTACCTGTGGGCATGTTGGT[GA>G]AGGGCCCATAGCAACAGATTTCTAGCCCCCTGAAGATCTGGAAGAAGAGAGGAAGAGAGA-3'

ClinVar aggregate classification (germline): Pathogenic (3 of 4 stars; one submission).

Conditions:
Breast-ovarian cancer, familial, susceptibility to, 1 (BROVCA1). Also called: BRCA1 Hereditary Breast and Ovarian Cancer; OVARIAN CANCER, SUSCEPTIBILITY TO. Identifiers: Orphanet 145, MedGen C2676676, MONDO:0011450, OMIM 604370. Disease mechanism: loss of function.

Submission:

Evidence-based Network for the Interpretation of Germline Mutant Alleles (ENIGMA)
Classification: Pathogenic for Breast-ovarian cancer, familial, susceptibility to, 1. Last evaluated: 2016-10-18. Review status: reviewed by expert panel. Criteria: ENIGMA BRCA1/2 Classification Criteria (2015). Collection method: curation. Allele origin: germline.
Comment: Variant allele predicted to encode a truncated non-functional protein.